The following is an entry in ClinVar:

ClinVar aggregate classification (germline): Uncertain significance (1 of 4 stars; one submission).

gnomAD v4.1: 5 of 1,526,316 alleles (0.00033%); highest among the groups gnomAD compares: South Asian, 0.0024%; no homozygotes.

Submission:

Women's Health and Genetics/Laboratory Corporation of America, LabCorp
Classification: Uncertain significance. Last evaluated: 2025-06-27. Review status: criteria provided, single submitter. Criteria: LabCorp Variant Classification Summary - May 2015. Collection method: clinical testing. Allele origin: germline.
Comment: Variant summary: PKD1 c.700G>T (p.Ala234Ser) results in a conservative amino acid change in the encoded protein sequence. Algorithms developed to predict the effect of missense changes on protein structure and function are either unavailable or do not agree on the potential impact of this missense change. The variant was absent in 136784 control chromosomes. The available data on variant occurrences in the general population are insufficient to allow any conclusion about variant significance. c.700G>T has been observed in individual(s) affected with PKD1-related conditions, without strong evidence for causality (Lindemann_2022). These report(s) do not provide unequivocal conclusions about association of the variant with PKD1-related conditions. To our knowledge, no experimental evidence demonstrating an impact on protein function has been reported. The following publication has been ascertained in the context of this evaluation (PMID: 36938073). No submitters have cited clinical-significance assessments for this variant to ClinVar. Based on the evidence outlined above, the variant was classified as uncertain significance.

Literature cited by the submitters: PubMed 36938073.

NM_001009944.3(PKD1):c.700G>T (p.Ala234Ser)

Gene: PKD1 (polycystin 1, transient receptor potential channel interacting; minus strand). Cytogenetic location: 16p13.3.
Variant type: single nucleotide variant.
Coding change: c.700G>T on transcript NM_001009944.3 (MANE Select); coding-DNA position 700, G replaced by T.
Protein change: p.Ala234Ser; replaces alanine 234 with serine.
Molecular consequence: missense variant.
Genome position (GRCh38, 1-based): chr16:2,118,292, C>A on the plus strand (G>T on the coding strand, the complement: PKD1 is on the minus strand). VCF-style: chr16-2118292-C-A. GRCh37 (hg19) VCF-style: chr16-2168293-C-A.
Other names: c.700G>T, p.Ala234Ser (NM_000296.4); short protein forms A234S.
Identifiers: ClinVar variation 3907207 (VCV003907207.1).